The following is an entry in ClinVar:

NM_015910.7(WDPCP):c.1380T>G (p.Asp460Glu)

Gene: WDPCP (WD repeat containing planar cell polarity effector; minus strand). Cytogenetic location: 2p15.
Variant type: single nucleotide variant.
Coding change: c.1380T>G on transcript NM_015910.7 (MANE Select); coding-DNA position 1380, T replaced by G.
Protein change: p.Asp460Glu; replaces aspartic acid 460 with glutamic acid.
Molecular consequence: missense variant. On other transcripts: non-coding transcript variant (3).
Genome position (GRCh38, 1-based): chr2:63,404,103, A>C on the plus strand (T>G on the coding strand, the complement: WDPCP is on the minus strand). VCF-style: chr2-63404103-A-C. GRCh37 (hg19) VCF-style: chr2-63631238-A-C.
Other names: c.903T>G, p.Asp301Glu (NM_001042692.3); c.1308T>G, p.Asp436Glu (NM_001354044.2); c.1380T>G, p.Asp460Glu (NM_001354045.2); short protein forms D436E, D460E, D301E.
Identifiers: ClinVar variation 5000919 (VCV005000919.1).

ClinVar aggregate classification (germline): Uncertain significance (1 of 4 stars; one submission).

Conditions:
WDPCP-related disorder. Also called: WDPCP-related condition.

Submission:

PreventionGenetics, part of Exact Sciences
Classification: Uncertain significance for WDPCP-related condition. Last evaluated: 2025-04-03. Review status: criteria provided, single submitter. Criteria: ACMG Guidelines, 2015. Collection method: clinical testing. Allele origin: germline.
Comment: The WDPCP c.1380T>G variant is predicted to result in the amino acid substitution p.Asp460Glu. To our knowledge, this variant has not been reported in the literature or in a large population database (gnomAD), indicating this variant is rare. At this time, the clinical significance of this variant is uncertain due to the absence of conclusive functional and genetic evidence.